The following is an entry in ClinVar:

NM_024675.4(PALB2):c.866T>G (p.Leu289Trp)

Gene: PALB2 (partner and localizer of BRCA2; minus strand). Cytogenetic location: 16p12.2.
Variant type: single nucleotide variant.
Coding change: c.866T>G on transcript NM_024675.4 (MANE Select); coding-DNA position 866, T replaced by G.
Protein change: p.Leu289Trp; replaces leucine 289 with tryptophan.
Molecular consequence: missense variant.
Genome position (GRCh38, 1-based): chr16:23,635,680, A>C on the plus strand (T>G on the coding strand, the complement: PALB2 is on the minus strand). VCF-style: chr16-23635680-A-C. GRCh37 (hg19) VCF-style: chr16-23647001-A-C.
Other names: short protein forms L289W.
Identifiers: ClinVar variation 1472482 (VCV001472482.9), dbSNP rs1555461574, ClinGen allele CA395135800.

ClinVar aggregate classification (germline): Uncertain significance (1 of 4 stars; one submission).

Conditions:
Familial cancer of breast. Also called: hereditary breast carcinoma; BREAST CANCER, FAMILIAL; Hereditary breast cancer. Identifiers: Orphanet 227535, MedGen C0346153, MONDO:0016419, OMIM 114480. Disease mechanism: loss of function.

Submission:

Labcorp Genetics (formerly Invitae), Labcorp
Classification: Uncertain significance for Familial cancer of breast. Last evaluated: 2020-12-17. Review status: criteria provided, single submitter. Criteria: Invitae Variant Classification Sherloc (09022015). Collection method: clinical testing. Allele origin: germline.
Comment: In summary, the available evidence is currently insufficient to determine the role of this variant in disease. Therefore, it has been classified as a Variant of Uncertain Significance. Algorithms developed to predict the effect of missense changes on protein structure and function are either unavailable or do not agree on the potential impact of this missense change (SIFT: "Deleterious"; PolyPhen-2: "Probably Damaging"; Align-GVGD: "Class C0"). This variant has not been reported in the literature in individuals with PALB2-related conditions. This variant is not present in population databases (ExAC no frequency). This sequence change replaces leucine with tryptophan at codon 289 of the PALB2 protein (p.Leu289Trp). The leucine residue is moderately conserved and there is a small physicochemical difference between leucine and tryptophan.